The following is an entry in ClinVar:

NM_031296.3(RAB33B):c.174C>A (p.Phe58Leu)

Genes: RAB33B (RAB33B, member RAS oncogene family; plus strand), LOC129993110 (ATAC-STARR-seq lymphoblastoid active region 21925; plus strand). Cytogenetic location: 4q31.1.
Variant type: single nucleotide variant.
Coding change: c.174C>A on transcript NM_031296.3 (MANE Select); coding-DNA position 174, C replaced by A.
Protein change: p.Phe58Leu; replaces phenylalanine 58 with leucine.
Molecular consequence: missense variant.
Genome position (GRCh38, 1-based): chr4:139,454,369, C>A. VCF-style: chr4-139454369-C-A. GRCh37 (hg19) VCF-style: chr4-140375523-C-A.
Other names: short protein forms F58L.
Identifiers: ClinVar variation 1998670 (VCV001998670.4), dbSNP rs1750021364, ClinGen allele CA358271847.
Genomic context (GRCh38, chr4:139,454,369, plus strand): 5'-GATCGGCGACTCCAATGTGGGCAAGACATGCCTGACCTACCGCTTCTGCGCTGGCCGCTT[C>A]CCCGACCGCACCGAGGCCACGATAGGGGTGGATTTCCGAGAACGAGCGGTGGAGATTGAT-3'
Protein context (NP_112586.1, residues 48-68): CLTYRFCAGR[Phe58Leu]PDRTEATIGV

ClinVar aggregate classification (germline): Uncertain significance (1 of 4 stars; one submission).

Submission:

Labcorp Genetics (formerly Invitae), Labcorp
Classification: Uncertain significance. Last evaluated: 2022-05-25. Review status: criteria provided, single submitter. Criteria: Invitae Variant Classification Sherloc (09022015). Collection method: clinical testing. Allele origin: germline.
Comment: In summary, the available evidence is currently insufficient to determine the role of this variant in disease. Therefore, it has been classified as a Variant of Uncertain Significance. Algorithms developed to predict the effect of missense changes on protein structure and function are either unavailable or do not agree on the potential impact of this missense change (SIFT: "Not Available"; PolyPhen-2: "Probably Damaging"; Align-GVGD: "Not Available"). This variant has not been reported in the literature in individuals affected with RAB33B-related conditions. This variant is not present in population databases (gnomAD no frequency). This sequence change replaces phenylalanine, which is neutral and non-polar, with leucine, which is neutral and non-polar, at codon 58 of the RAB33B protein (p.Phe58Leu).